The following is an entry in ClinVar:

NM_000060.4:c.1252T>C

Variant type: single nucleotide variant.
Other names: c.1252T>C (NM_000060.4).
Identifiers: ClinVar variation 4815942 (VCV004815942.1).

ClinVar aggregate classification (germline): Likely pathogenic (1 of 4 stars; one submission).

Conditions:
Biotinidase deficiency. Also called: BTD deficiency; Late-onset biotin-responsive multiple carboxylase deficiency; Biotin deficiency. Identifiers: Orphanet 79241, MedGen C0220754, MONDO:0009665, OMIM 253260.

Submission:

Natera, Inc.
Classification: Likely pathogenic for Biotinidase deficiency. Last evaluated: 2024-09-17. Review status: criteria provided, single submitter. Criteria: Natera Variant Classification Schema (03/2026). Collection method: clinical testing. Allele origin: germline.
Comment: The c.1252T>C variant in BTD is a missense variant predicted to cause substitution of cysteine to arginine at amino acid 418. This variant is rare in the general population with a frequency below the threshold expected for the associated phenotype(s). This variant has been observed in one or more individuals affected with the associated recessive disease, as either homozygous or compound heterozygous with a second variant (PMID: 27329734, 26810761). A different variant at the same position has been determined to be Pathogenic or Likely Pathogenic. Computational prediction algorithms indicate this variant is likely to affect gene or protein function. Given the available evidence, this variant is classified as Likely Pathogenic.

Literature cited by the submitters: PubMed 27329734; PubMed 26810761.